The following is an entry in ClinVar:

NM_000642.3(AGL):c.2357C>A (p.Thr786Lys)

Gene: AGL (amylo-alpha-1,6-glucosidase and 4-alpha-glucanotransferase; plus strand). Cytogenetic location: 1p21.2.
Variant type: single nucleotide variant.
Coding change: c.2357C>A on transcript NM_000642.3 (MANE Select); coding-DNA position 2357, C replaced by A.
Protein change: p.Thr786Lys; replaces threonine 786 with lysine.
Molecular consequence: missense variant.
Genome position (GRCh38, 1-based): chr1:99,884,168, C>A. VCF-style: chr1-99884168-C-A. GRCh37 (hg19) VCF-style: chr1-100349724-C-A.
Other names: c.2357C>A, p.Thr786Lys (NM_000028.3, NM_000643.3, NM_000644.3 and 2 more transcripts); c.2309C>A, p.Thr770Lys (NM_000646.3); c.2156C>A, p.Thr719Lys (NM_001425327.1); c.2153C>A, p.Thr718Lys (NM_001425328.1, NM_001425329.1); c.1979C>A, p.Thr660Lys (NM_001425332.1); short protein forms T786K, T770K, T660K, T718K, T719K.
Identifiers: ClinVar variation 2153561 (VCV002153561.4), dbSNP rs147586981, ClinGen allele CA341320704.
Genomic context (GRCh38, chr1:99,884,168, plus strand): 5'-ATGTATTCCTAGGCAAAATTGAAGAAGTAGTTCTTGAAGCTAGAACTATTGAGAGAAACA[C>A]GAAACCTTATAGGAAGGATGAGAATTCAATCAATGGAACACCAGATATCACAGTAGAAAT-3'
Protein context (NP_000633.2, residues 776-796): VLEARTIERN[Thr786Lys]KPYRKDENSI

ClinVar aggregate classification (germline): Uncertain significance (1 of 4 stars; one submission).

Conditions:
Glycogen storage disease type III (GSD3). Also called: FORBES DISEASE; Cori disease. Identifiers: Orphanet 366, MedGen C0017922, MONDO:0009291, OMIM 232400.

Submission:

Labcorp Genetics (formerly Invitae), Labcorp
Classification: Uncertain significance for Glycogen storage disease type III. Last evaluated: 2022-03-28. Review status: criteria provided, single submitter. Criteria: Invitae Variant Classification Sherloc (09022015). Collection method: clinical testing. Allele origin: germline.
Comment: This sequence change replaces threonine, which is neutral and polar, with lysine, which is basic and polar, at codon 786 of the AGL protein (p.Thr786Lys). This variant is not present in population databases (gnomAD no frequency). This variant has not been reported in the literature in individuals affected with AGL-related conditions. Algorithms developed to predict the effect of missense changes on protein structure and function (SIFT, PolyPhen-2, Align-GVGD) all suggest that this variant is likely to be tolerated. In summary, the available evidence is currently insufficient to determine the role of this variant in disease. Therefore, it has been classified as a Variant of Uncertain Significance.